The following is an entry in ClinVar:

ClinVar aggregate classification (germline): Uncertain significance (1 of 4 stars; one submission).

Conditions:
Hepatic methionine adenosyltransferase deficiency. Also called: Deficiency of methionine adenosyltransferase; Isolated Persistent Hypermethioninemia; MAT I/III DEFICIENCY; Methionine adenosyltransferase deficiency. Identifiers: Orphanet 168598, MedGen C0268621, MeSH C564683, MONDO:0009607, OMIM 250850.

gnomAD v4.1: 6 of 1,614,126 alleles (0.00037%); highest among the groups gnomAD compares: East Asian, 0.0089%; no homozygotes.

Submission:

3billion
Classification: Uncertain significance for Hepatic methionine adenosyltransferase deficiency. Last evaluated: 2025-12-29. Review status: criteria provided, single submitter. Criteria: ACMG Guidelines, 2015. Collection method: clinical testing. Allele origin: germline. Affected: yes.
Comment: The variant is observed at an extremely low frequency in the gnomAD v4.1.0 dataset (total allele frequency: <0.001%). Predicted Consequence/Location: Missense variant Damaging effect on gene or gene product predicted by in silico programs is uncertain [REVEL: 0.60 (damaging >=0.6, benign <0.4)]. The same nucleotide change resulting in the same amino acid change has been previously reported to be associated with MAT1A-related disorder (PMID: 26933843). A different missense change at the same codon (p.Arg249Trp) has been reported to be associated with MAT1A-related disorder (PMID: 15935930). However the evidence of pathogenicity is insufficient at this time. Therefore, this variant is classified as VUS according to the recommendation of ACMG/AMP guideline.

Literature cited by the submitters: PubMed 26933843; PubMed 15935930.

NM_000429.3(MAT1A):c.746G>A (p.Arg249Gln)

Gene: MAT1A (methionine adenosyltransferase 1A; minus strand). Cytogenetic location: 10q22.3.
Variant type: single nucleotide variant.
Coding change: c.746G>A on transcript NM_000429.3 (MANE Select); coding-DNA position 746, G replaced by A.
Protein change: p.Arg249Gln; replaces arginine 249 with glutamine.
Molecular consequence: missense variant.
Genome position (GRCh38, 1-based): chr10:80,276,398, C>T on the plus strand (G>A on the coding strand, the complement: MAT1A is on the minus strand). VCF-style: chr10-80276398-C-T. GRCh37 (hg19) VCF-style: chr10-82036154-C-T.
Other names: short protein forms R249Q.
Identifiers: ClinVar variation 4855134 (VCV004855134.1).
Genomic context (GRCh38, chr10:80,276,398, plus strand): 5'-AAGACAAACCAGGGCTTCGTTCAGAGACAAGAATGCACCTGGGGACCTCCGATGACAAAC[C>T]GCCCACTGGGCTGCAGGTGGTAGACGGTGTCTTCGTCCAGGTACTTGGCCGGCACCACGG-3'
Protein context (NP_000420.1, residues 239-259): DTVYHLQPSG[Arg249Gln]FVIGGPQGDA